The following is an entry in ClinVar:

ClinVar aggregate classification (germline): Uncertain significance (1 of 4 stars; one submission).

Submission:

GeneDx
Classification: Uncertain significance. Last evaluated: 2018-05-22. Review status: criteria provided, single submitter. Criteria: GeneDx Variant Classification (06012015). Collection method: clinical testing. Allele origin: germline. Affected: yes.
Comment: The c.1924-8_1924-3delCTTTCT variant in the COL3A1 gene has not been reported previously as a pathogenic variant nor as a benign variant, to our knowledge. This variant results in the deletion of six nucleotides and is predicted to destroy the natural splice acceptor site of intron 27. This may cause abnormal gene splicing, resulting in an in-frame protein product with an abnormal message. In the absence of RNA/functional studies, the actual effect of c.4167-3_4167delTAGA in the skin sample from this individual is unknown. The c.1924-8_1924-3delCTTTCT variant is not observed in large population cohorts (Lek et al., 2016). We interpret c.1924-8_1924-3delCTTTCT as a variant of uncertain significance.

NM_000090.4(COL3A1):c.1924-8_1924-3del

Gene: COL3A1 (collagen type III alpha 1 chain; plus strand). Cytogenetic location: 2q32.2.
Variant type: Deletion.
Coding change: c.1924-8_1924-3del on transcript NM_000090.4 (MANE Select); 8 bases into the intron before coding-DNA position 1924 through 3 bases into the intron before coding-DNA position 1924, 6 bases deleted (CTTTCT; older notation c.1924-8_1924-3delCTTTCT).
Molecular consequence: intron variant.
Genome position (GRCh38, 1-based): chr2:188,998,258-188,998,263, CTTTCT deleted; deleting any 6 consecutive bases within chr2:188,998,257-188,998,263 gives the same sequence; the c. name uses the placement nearest the transcript's 3' end. VCF-style (leftmost placement, unchanged base first): chr2-188998256-TTCTTTC-T. GRCh37 (hg19) VCF-style: chr2-189862982-TTCTTTC-T.
Other names: c.1924-8_1924-3delCTTTCT (NM_000090.3).
Identifiers: ClinVar variation 546355 (VCV000546355.2), dbSNP rs1553508529, ClinGen allele CA658821161.
Genomic context (GRCh38, chr2:188,998,256, plus strand): 5'-GTACATATGAGAAGCTTTTCTATAAGCCATGTTTGAGGTAATTACCTAATACAAATATGA[TTCTTTC>T]TAGGGCTTGCCTGGTACAGGTGGTCCTCCAGGAGAAAATGGAAAACCTGGGGAACCAGTA-3'